The following is an entry in ClinVar:

ClinVar aggregate classification (germline): Uncertain significance (1 of 4 stars; one submission).

Submission:

GeneDx
Classification: Uncertain significance. Last evaluated: 2022-12-15. Review status: criteria provided, single submitter. Criteria: GeneDx Variant Classification Process June 2021. Collection method: clinical testing. Allele origin: germline. Affected: yes.
Comment: Not observed at significant frequency in large population cohorts (gnomAD); In silico analysis supports that this missense variant has a deleterious effect on protein structure/function; Has not been previously published as pathogenic or benign to our knowledge

NM_006922.4(SCN3A):c.5684T>C (p.Leu1895Ser)

Gene: SCN3A (sodium voltage-gated channel alpha subunit 3; minus strand). Cytogenetic location: 2q24.3.
Variant type: single nucleotide variant.
Coding change: c.5684T>C on transcript NM_006922.4 (MANE Select); coding-DNA position 5684, T replaced by C.
Protein change: p.Leu1895Ser; replaces leucine 1895 with serine.
Molecular consequence: missense variant.
Genome position (GRCh38, 1-based): chr2:165,090,469, A>G on the plus strand (T>C on the coding strand, the complement: SCN3A is on the minus strand). VCF-style: chr2-165090469-A-G. GRCh37 (hg19) VCF-style: chr2-165946979-A-G.
Other names: c.5537T>C, p.Leu1846Ser (NM_001081676.2, NM_001081677.2); short protein forms L1846S, L1895S.
Identifiers: ClinVar variation 2505849 (VCV002505849.1), dbSNP rs1553517088, ClinGen allele CA349010270.